The following is an entry in ClinVar:

ClinVar aggregate classification (germline): Likely benign (1 of 4 stars; one submission).

Allele frequency attached by ClinVar (database versions not stated): gnomAD exomes 0.00001; TOPMed 0.00001.
gnomAD v4.1: 1 of 1,516,938 alleles (0.000066%); highest among the groups gnomAD compares: Admixed American, 0.002%; no homozygotes.

Submission:

GeneDx
Classification: Likely benign. Last evaluated: 2017-08-04. Review status: criteria provided, single submitter. Criteria: GeneDx Variant Classification (06012015). Collection method: clinical testing. Allele origin: germline. Affected: yes.
Comment: This variant is considered likely benign or benign based on one or more of the following criteria: it is a conservative change, it occurs at a poorly conserved position in the protein, it is predicted to be benign by multiple in silico algorithms, and/or has population frequency not consistent with disease.

NM_000100.4(CSTB):c.-30C>T

Genes: CSTB (cystatin B; minus strand), LOC130066788 (ATAC-STARR-seq lymphoblastoid silent region 13368; plus strand). Cytogenetic location: 21q22.3.
Variant type: single nucleotide variant.
Coding change: c.-30C>T on transcript NM_000100.4 (MANE Select); 30 bases upstream of the start codon, C replaced by T.
Molecular consequence: 5 prime UTR variant.
Genome position (GRCh38, 1-based): chr21:43,776,299, G>A on the plus strand (C>T on the coding strand, the complement: CSTB is on the minus strand). VCF-style: chr21-43776299-G-A. GRCh37 (hg19) VCF-style: chr21-45196180-G-A.
Identifiers: ClinVar variation 511262 (VCV000511262.1), dbSNP rs1388604204, ClinGen allele CA638098048.